The following is an entry in ClinVar:

NM_001292063.2(OTOG):c.2214C>A (p.Cys738Ter)

Gene: OTOG (otogelin; plus strand). Cytogenetic location: 11p15.1.
Variant type: single nucleotide variant.
Coding change: c.2214C>A on transcript NM_001292063.2 (MANE Select); coding-DNA position 2214, C replaced by A.
Protein change: p.Cys738Ter; replaces cysteine 738 with a stop codon.
Molecular consequence: nonsense.
Genome position (GRCh38, 1-based): chr11:17,573,211, C>A. VCF-style: chr11-17573211-C-A. GRCh37 (hg19) VCF-style: chr11-17594758-C-A.
Other names: c.2250C>A, p.Cys750Ter (NM_001277269.2); short protein forms C738*, C750*.
Identifiers: ClinVar variation 2570796 (VCV002570796.27), dbSNP rs529043916, ClinGen allele CA379770332.

ClinVar aggregate classification (germline): Pathogenic (1 of 4 stars; one submission).

gnomAD v4.1: 7 of 1,537,690 alleles (0.00046%); highest among the groups gnomAD compares: Non-Finnish European, 0.00052%; no homozygotes.

Submission:

CeGaT Center for Human Genetics Tuebingen
Classification: Pathogenic. Last evaluated: 2023-04-01. Review status: criteria provided, single submitter. Criteria: CeGaT Center For Human Genetics Tuebingen Variant Classification Criteria Version 2. Collection method: clinical testing. Allele origin: germline. Affected: yes. Observed: 1 variant allele.
Comment: OTOG: PVS1, PM2